The following is an entry in ClinVar:

ClinVar aggregate classification (germline): Uncertain significance (1 of 4 stars; one submission).

Conditions:
Idiopathic generalized epilepsy. Also called: Generalised epilepsy; EIG. Identifiers: MedGen C0270850, MONDO:0005579, OMIM 600669.

Allele frequency attached by ClinVar (database versions not stated): gnomAD exomes below 0.00001 and 0.00002; gnomAD 0.00001; TOPMed 0.00002.
gnomAD v4.1: 26 of 1,547,894 alleles (0.0017%); highest among the groups gnomAD compares: Non-Finnish European, 0.0023%; no homozygotes.

Submission:

Labcorp Genetics (formerly Invitae), Labcorp
Classification: Uncertain significance for Idiopathic generalized epilepsy. Last evaluated: 2022-03-19. Review status: criteria provided, single submitter. Criteria: Invitae Variant Classification Sherloc (09022015). Collection method: clinical testing. Allele origin: germline.
Comment: In summary, the available evidence is currently insufficient to determine the role of this variant in disease. Therefore, it has been classified as a Variant of Uncertain Significance. Algorithms developed to predict the effect of missense changes on protein structure and function are either unavailable or do not agree on the potential impact of this missense change (SIFT: "Tolerated"; PolyPhen-2: "Probably Damaging"; Align-GVGD: "Class C0"). ClinVar contains an entry for this variant (Variation ID: 575863). This variant has not been reported in the literature in individuals affected with CACNB4-related conditions. This variant is present in population databases (rs751029383, gnomAD 0.0009%). This sequence change replaces isoleucine, which is neutral and non-polar, with valine, which is neutral and non-polar, at codon 330 of the CACNB4 protein (p.Ile330Val).

NM_000726.5(CACNB4):c.988A>G (p.Ile330Val)

Gene: CACNB4 (calcium voltage-gated channel auxiliary subunit beta 4; minus strand). Cytogenetic location: 2q23.3.
Variant type: single nucleotide variant.
Coding change: c.988A>G on transcript NM_000726.5 (MANE Select); coding-DNA position 988, A replaced by G.
Protein change: p.Ile330Val; replaces isoleucine 330 with valine.
Molecular consequence: missense variant.
Genome position (GRCh38, 1-based): chr2:151,855,256, T>C on the plus strand (A>G on the coding strand, the complement: CACNB4 is on the minus strand). VCF-style: chr2-151855256-T-C. GRCh37 (hg19) VCF-style: chr2-152711770-T-C.
Other names: c.934A>G, p.Ile312Val (NM_001005746.4); c.886A>G, p.Ile296Val (NM_001005747.4); c.988A>G, p.Ile330Val (NM_001145798.3); c.847A>G, p.Ile283Val (NM_001320722.3, NM_001330118.2); c.745A>G, p.Ile249Val (NM_001330113.2); c.334A>G, p.Ile112Val (NM_001330114.2); c.697A>G, p.Ile233Val (NM_001330115.2); c.658A>G, p.Ile220Val (NM_001330116.2); and 1 more; short protein forms I330V, I233V, I112V, I283V, I296V, I220V, I312V, I144V.
Identifiers: ClinVar variation 575863 (VCV000575863.8), dbSNP rs751029383, ClinGen allele CA57662814.